The following is an entry in ClinVar:

NM_002541.4(OGDH):c.1011G>A (p.Leu337=)

Gene: OGDH (oxoglutarate dehydrogenase; plus strand). Cytogenetic location: 7p13.
Variant type: single nucleotide variant.
Coding change: c.1011G>A on transcript NM_002541.4 (MANE Select); coding-DNA position 1011, G replaced by A.
Protein change: p.Leu337=; no amino-acid change (leucine 337 retained).
Molecular consequence: synonymous variant.
Genome position (GRCh38, 1-based): chr7:44,675,253, G>A. VCF-style: chr7-44675253-G-A. GRCh37 (hg19) VCF-style: chr7-44714852-G-A.
Other names: c.1011G>A, p.Leu337= (NM_001003941.3); c.999G>A, p.Leu333= (NM_001165036.2); c.1044G>A, p.Leu348= (NM_001363523.2); c.1044G>A (NM_001363523.1).
Identifiers: ClinVar variation 1012998 (VCV001012998.39), dbSNP rs773380202, ClinGen allele CA4243707.
Genomic context (GRCh38, chr7:44,675,253, plus strand): 5'-GCTTGCAAATGTCATCAGGAAGGAGCTGGAACAGATCTTCTGTCAATTCGATTCAAAGCT[G>A]GAGGCAGCTGATGAGGTGAGGCACCTGCATAGAGACACATCCAGCATAGCCCCAACTTAC-3'
Protein context (NP_002532.2, residues 327-347): EQIFCQFDSK[Leu337=]EAADEGSGDV

ClinVar aggregate classification (germline): Likely benign. Review status: criteria provided, multiple submitters, no conflicts (2 of 4 stars). 2 submissions from 2 submitters: Likely benign (2). Last evaluated 2025-05-07.

Conditions:
OGDH-related disorder. Also called: OGDH-related condition.

Allele frequency attached by ClinVar (database versions not stated): gnomAD exomes 0.00001 and 0.00002; ExAC 0.00002; gnomAD 0.00005; TOPMed 0.00006.
gnomAD v4.1: 22 of 1,613,980 alleles (0.0014%); highest among the groups gnomAD compares: African/African-American, 0.024%; no homozygotes.

Submissions (2):

PreventionGenetics, part of Exact Sciences
Classification: Likely benign for OGDH-related condition. Last evaluated: 2025-05-07. Review status: criteria provided, single submitter. Criteria: ACMG Guidelines, 2015. Collection method: clinical testing. Allele origin: germline.
Comment: This variant is classified as likely benign based on ACMG/AMP sequence variant interpretation guidelines (Richards et al. 2015 PMID: 25741868, with internal and published modifications).

CeGaT Center for Human Genetics Tuebingen
Classification: Likely benign. Last evaluated: 2020-12-01. Review status: criteria provided, single submitter. Criteria: CeGaT Center For Human Genetics Tuebingen Variant Classification Criteria Version 2. Collection method: clinical testing. Allele origin: germline. Affected: yes. Observed: 1 variant allele.